The following is an entry in ClinVar:

NM_054012.4(ASS1):c.539G>A (p.Ser180Asn)

Gene: ASS1 (argininosuccinate synthase 1; plus strand). Cytogenetic location: 9q34.11.
Variant type: single nucleotide variant.
Coding change: c.539G>A on transcript NM_054012.4 (MANE Select); coding-DNA position 539, G replaced by A.
Protein change: p.Ser180Asn; replaces serine 180 with asparagine.
Molecular consequence: missense variant.
Genome position (GRCh38, 1-based): chr9:130,470,877, G>A. VCF-style: chr9-130470877-G-A. GRCh37 (hg19) VCF-style: chr9-133346264-G-A.
Other names: p.S180N:AGC>AAC; NM_000050.4(ASS1):c.539G>A(p.Ser180Asn); NM_054012.3(ASS1):c.539G>A(p.Ser180Asn); c.539G>A, p.Ser180Asn (NM_000050.4); short protein forms S180N.
Identifiers: ClinVar variation 6326 (VCV000006326.26), dbSNP rs121908638, ClinGen allele CA253831.

ClinVar aggregate classification (germline): Pathogenic/Likely pathogenic. Review status: criteria provided, multiple submitters, no conflicts (2 of 4 stars). 11 submissions from 11 submitters: Pathogenic (7); Likely pathogenic (3). 1 of the submissions does not count toward it. Last evaluated 2026-01-02.

Conditions:
Citrullinemia. Identifiers: Orphanet 187, MedGen C0175683, MONDO:0015991.
ASS1-related disorder. Also called: ASS1-related condition.
Citrullinemia type I (CTNL1). Also called: ASS DEFICIENCY; argininosuccinate synthetase deficiency. Identifiers: Orphanet 247525, MedGen C4721769, MONDO:0008988, OMIM 215700.

Allele frequency attached by ClinVar (database versions not stated): ExAC 0.00001; TOPMed 0.00002.
gnomAD v4.1: 137 of 1,614,008 alleles (0.0085%); highest among the groups gnomAD compares: Non-Finnish European, 0.01%; no homozygotes.

Submissions (11):

First Genomix Gene Laboratory, Genetic Diagnostics Department
Classification: Pathogenic for Citrullinemia type I. Last evaluated: 2026-01-02. Review status: criteria provided, single submitter. Criteria: ACMG Guidelines, 2015. Collection method: clinical testing. Allele origin: germline. Inheritance: Autosomal recessive inheritance. Affected: no. Observed: 1 variant allele.

Natera, Inc.
Classification: Likely pathogenic for Citrullinemia type I. Last evaluated: 2025-09-11. Review status: criteria provided, single submitter. Criteria: Natera Variant Classification Schema (03/2026). Collection method: clinical testing. Allele origin: germline.
Comment: The c.539G>A variant in ASS1 is a missense variant predicted to cause substitution of serine to asparagine at amino acid 180. This variant is rare in the general population with a frequency below the threshold expected for the associated phenotype(s). This variant has been observed in one or more individuals affected with the associated recessive disease, as either homozygous or compound heterozygous with a second variant (PMID: 31469252, 2358466, 24765495). A different variant at the same position has been determined to be Pathogenic or Likely Pathogenic. Computational prediction algorithms indicate this variant is likely to affect gene or protein function. Given the available evidence, this variant is classified as Likely Pathogenic.

Labcorp Genetics (formerly Invitae), Labcorp
Classification: Pathogenic for Citrullinemia. Last evaluated: 2024-06-05. Review status: criteria provided, single submitter. Criteria: Invitae Variant Classification Sherloc (09022015). Collection method: clinical testing. Allele origin: germline.
Comment: This sequence change replaces serine, which is neutral and polar, with asparagine, which is neutral and polar, at codon 180 of the ASS1 protein (p.Ser180Asn). This variant is present in population databases (rs121908638, gnomAD 0.008%). This missense change has been observed in individual(s) with citrullinemia type I, including symptoms of hyperammonemia and markedly elevated plasma citrulline (PMID: 2358466, 18925679, 24765495; Invitae). ClinVar contains an entry for this variant (Variation ID: 6326). Advanced modeling of protein sequence and biophysical properties (such as structural, functional, and spatial information, amino acid conservation, physicochemical variation, residue mobility, and thermodynamic stability) performed at Invitae indicates that this missense variant is expected to disrupt ASS1 protein function with a positive predictive value of 80%. For these reasons, this variant has been classified as Pathogenic.

Fulgent Genetics
Classification: Pathogenic for Citrullinemia type I. Last evaluated: 2024-04-11. Review status: criteria provided, single submitter. Criteria: ACMG Guidelines, 2015. Collection method: clinical testing. Allele origin: germline.

Blueprint Genetics
Classification: Pathogenic for ASS1-related disorders. Last evaluated: 2024-03-15. Review status: criteria provided, single submitter. Criteria: ACMG Guidelines, 2015. Collection method: clinical testing. Allele origin: germline. Affected: yes. Observed: 5 variant alleles.

Revvity Omics, Revvity
Classification: Pathogenic for Citrullinemia type I. Last evaluated: 2023-06-20. Review status: criteria provided, single submitter. Criteria: ACMG Guidelines, 2015. Collection method: clinical testing. Allele origin: germline.

GeneDx
Classification: Pathogenic. Last evaluated: 2023-01-18. Review status: criteria provided, single submitter. Criteria: GeneDx Variant Classification Process June 2021. Collection method: clinical testing. Allele origin: germline. Affected: yes.
Comment: Published functional studies found this variant is associated with significantly decreased enzyme activity and thermal stability (Diez-Fernandez C et al., 2016); Not observed at a significant frequency in large population cohorts (gnomAD); In silico analysis supports that this missense variant has a deleterious effect on protein structure/function; This variant is associated with the following publications: (PMID: 18323623, 31469252, 27287393, 2358466)

SIB Swiss Institute of Bioinformatics
Classification: Likely pathogenic for Citrullinemia type I. Last evaluated: 2018-05-31. Review status: criteria provided, single submitter. Criteria: ACMG Guidelines, 2015. Collection method: curation. Allele origin: unknown.
Comment: This variant is interpreted as a Likely Pathogenic, for Citrullinemia 1, in Autosomal Recessive manner. The following ACMG Tag(s) were applied: PP3 => Multiple lines of computational evidence support a deleterious effect on the gene or gene product. PM2 => Absent from controls (or at extremely low frequency if recessive) in Exome Sequencing Project, 1000 Genomes Project, or Exome Aggregation Consortium. PS3 => Well-established functional studies show a deleterious effect (PMID:27287393).

Illumina Laboratory Services, Illumina
Classification: Likely pathogenic for Citrullinemia type I. Last evaluated: 2017-04-28. Review status: criteria provided, single submitter. Criteria: ICSL Variant Classification Criteria 09 May 2019. Collection method: clinical testing. Allele origin: germline.
Comment: The ASS1 c.539G>A (p.Ser180Asn) variant has been reported in a total of three individuals with citrullinemia, all in a compound heterozygous state (Kobayashi et al. 1990; Dimmock et al. 2008; Rhee et al. 2013). Control data are not available for this variant, which is reported at a frequency of 0.00002 in the European (non-Finnish) population of the Exome Aggregation Consortium, though this is based on one allele in a region of good sequencing coverage. Functional studies in E. coli demonstrated the p.Ser180Asn variant had decreased binding affinity for aspartate and citrulline. The activity of the p.Ser180Asn variant increased to approximately 10% of wild type when exposed to large doses of aspartate (Diez-Fernandez et al. 2016). Based on the evidence, the p.Ser180Asn variant is classified as likely pathogenic for citrullinemia. This variant was observed by ICSL as part of a predisposition screen in an ostensibly healthy population.

Women's Health and Genetics/Laboratory Corporation of America, LabCorp
Classification: Pathogenic for Citrullinemia. Last evaluated: 2017-03-10. Review status: criteria provided, single submitter. Criteria: LabCorp Variant Classification Summary - May 2015. Collection method: clinical testing. Allele origin: germline.
Comment: Variant summary: The ASS1 c.539G>A (p.Ser180Asn) variant involves the alteration of a conserved nucleotide. 5/5 in silico tools predict a damaging outcome for this variant. This variant was found in 1/121356 control chromosomes at a frequency of 0.0000082, which does not exceed the estimated maximal expected allele frequency of a pathogenic ASS1 variant (0.0040825). The variant has been reported in affected individuals in the literature, and was shown in experimental studies to result in ~10% enzyme activity (Diez-Fernandez_2016). Multiple clinical diagnostic laboratories/reputable databases classified this variant as pathogenic. Taken together, this variant is classified as pathogenic.

OMIM
Classification: Pathogenic for CITRULLINEMIA, CLASSIC. Last evaluated: 2013-04-04. Review status: no assertion criteria provided. Collection method: literature only. Allele origin: germline. Not counted in ClinVar's aggregate classification.

Literature cited by the submitters: PubMed 31469252 (cited by Natera, Inc.); PubMed 2358466 (cited by 4 submitters); PubMed 24765495 (cited by 4 submitters); PubMed 18925679 (cited by 3 submitters); PubMed 27287393 (cited by 3 submitters); Kobayashi, K., Jackson, M. J., Tick, D. B., O'Brien, W. E., Beaudet, A. L. Characterization of nine mutant alleles causing citrullinemia. (Abstract) Am. J. Hum. Genet. 45 (suppl.): A201-only, 1989. (cited by OMIM).